The following is an entry in ClinVar:

NM_001042646.3(TRAK1):c.1173C>T (p.Ala391=)

Gene: TRAK1 (trafficking kinesin protein 1; plus strand). Cytogenetic location: 3p22.1.
Variant type: single nucleotide variant.
Coding change: c.1173C>T on transcript NM_001042646.3 (MANE Select); coding-DNA position 1173, C replaced by T.
Protein change: p.Ala391=; no amino-acid change (alanine 391 retained).
Molecular consequence: synonymous variant. On other transcripts: non-coding transcript variant (1).
Genome position (GRCh38, 1-based): chr3:42,199,236, C>T. VCF-style: chr3-42199236-C-T. GRCh37 (hg19) VCF-style: chr3-42240728-C-T.
Other names: c.1173C>T, p.Ala391= (NM_001265608.2, NM_001349246.2, NM_001349247.2); c.951C>T, p.Ala317= (NM_001265609.2, NM_001265610.1, NM_001349248.1 and 1 more transcripts); c.861C>T, p.Ala287= (NM_001349245.1); c.999C>T, p.Ala333= (NM_014965.5).
Identifiers: ClinVar variation 1564102 (VCV001564102.14), dbSNP rs140638437, ClinGen allele CA2333396.

ClinVar aggregate classification (germline): Benign/Likely benign. Review status: criteria provided, multiple submitters, no conflicts (2 of 4 stars). 4 submissions from 4 submitters: Benign (2); Likely benign (2). Last evaluated 2026-02-01.

Allele frequency attached by ClinVar (database versions not stated): gnomAD exomes 0.00013 and 0.00047; ESP Exome Variant Server 0.00015; gnomAD 0.00020 and 0.00025; TOPMed 0.00024; ExAC 0.00045; 1000 Genomes Project 0.00140; 1000 Genomes Project 30x 0.00141.
gnomAD v4.1: 263 of 1,613,888 alleles (0.016%); highest among the groups gnomAD compares: East Asian, 0.35%; no homozygotes.

Submissions (4):

CeGaT Center for Human Genetics Tuebingen
Classification: Likely benign. Last evaluated: 2026-02-01. Review status: criteria provided, single submitter. Criteria: CeGaT Center For Human Genetics Tuebingen Variant Classification Criteria Version 2. Collection method: clinical testing. Allele origin: germline. Affected: yes. Observed: 1 variant allele.
Comment: TRAK1: BP4, BP7

Labcorp Genetics (formerly Invitae), Labcorp
Classification: Benign. Last evaluated: 2025-05-07. Review status: criteria provided, single submitter. Criteria: Invitae Variant Classification Sherloc (09022015). Collection method: clinical testing. Allele origin: germline.

Blueprint Genetics
Classification: Likely benign. Last evaluated: 2024-09-24. Review status: criteria provided, single submitter. Criteria: ACMG Guidelines, 2015. Collection method: clinical testing. Allele origin: germline.

Breakthrough Genomics
Classification: Benign. Review status: criteria provided, single submitter. Criteria: ACMG Guidelines, 2015. Collection method: not provided. Allele origin: germline. Inheritance: Autosomal recessive inheritance. Affected: yes.